The following is an entry in ClinVar:

NM_000059.4(BRCA2):c.266C>T (p.Pro89Leu)

Gene: BRCA2 (BRCA2 DNA repair associated; plus strand). Cytogenetic location: 13q13.1.
Variant type: single nucleotide variant.
Coding change: c.266C>T on transcript NM_000059.4 (MANE Select); coding-DNA position 266, C replaced by T.
Protein change: p.Pro89Leu; replaces proline 89 with leucine.
Molecular consequence: missense variant.
Genome position (GRCh38, 1-based): chr13:32,319,275, C>T. VCF-style: chr13-32319275-C-T. GRCh37 (hg19) VCF-style: chr13-32893412-C-T.
Other names: short protein forms P89L.
Identifiers: ClinVar variation 409565 (VCV000409565.31), dbSNP rs748609599, ClinGen allele CA6940333.
Genomic context (GRCh38, chr13:32,319,275, plus strand): 5'-CATCTTATAATCAGCTGGCTTCAACTCCAATAATATTCAAAGAGCAAGGGCTGACTCTGC[C>T]GCTGTACCAATCTCCTGTAAAAGAATTAGATAAATTCAAATTAGACTTAGGTAAGTAATG-3'
Protein context (NP_000050.3, residues 79-99): IIFKEQGLTL[Pro89Leu]LYQSPVKELD

ClinVar aggregate classification (germline): Uncertain significance. Review status: criteria provided, multiple submitters, no conflicts (2 of 4 stars). 13 submissions from 13 submitters: Uncertain significance (11). 2 of the submissions do not count toward it. Last evaluated 2025-10-06.

Conditions:
BRCA2-related disorder. Also called: BRCA2-related condition; BRCA2-related disorders. Identifiers: MedGen CN239275.
Hereditary breast ovarian cancer syndrome. Also called: Hereditary breast and ovarian cancer syndrome; Hereditary breast and/or ovarian cancer syndrome; BRCA1- and BRCA2-Associated Hereditary Breast and Ovarian Cancer; Hereditary breast and ovarian cancer syndrome (HBOC); Hereditary breast and ovarian cancer; Breast and ovarian cancer. Identifiers: Orphanet 145, MedGen C0677776, MeSH D061325, MONDO:0003582. Disease mechanism: loss of function.
Familial cancer of breast. Also called: Hereditary breast cancer; hereditary breast carcinoma; BREAST CANCER, FAMILIAL. Identifiers: Orphanet 227535, MedGen C0346153, MONDO:0016419, OMIM 114480. Disease mechanism: loss of function.
Breast and/or ovarian cancer. Identifiers: MedGen CN221562.
Breast-ovarian cancer, familial, susceptibility to, 2 (BROVCA2). Also called: BRCA2 Hereditary Breast and Ovarian Cancer. Identifiers: Orphanet 145, MedGen C2675520, MONDO:0012933, OMIM 612555. Disease mechanism: loss of function.
Hereditary cancer-predisposing syndrome. Also called: Hereditary neoplastic syndrome; Neoplastic Syndromes, Hereditary; Tumor predisposition; Hereditary Cancer Syndrome. Identifiers: Orphanet 140162, MedGen C0027672, MeSH D009386, MONDO:0015356.

Allele frequency attached by ClinVar (database versions not stated): gnomAD exomes 0.00001 and 0.00002; ExAC 0.00002.
gnomAD v4.1: 10 of 1,613,776 alleles (0.00062%); highest among the groups gnomAD compares: Middle Eastern, 0.033%; no homozygotes.

Submissions 1 to 7 of 13:

Quest Diagnostics Nichols Institute San Juan Capistrano
Classification: Uncertain significance. Last evaluated: 2025-10-06. Review status: criteria provided, single submitter. Criteria: Quest Diagnostics criteria. Collection method: clinical testing. Allele origin: unknown.
Comment: The BRCA2 c.266C>T (p.Pro89Leu) variant has been reported in the published literature in individuals with a personal and/or family history of breast and/or ovarian cancer (PMID: 37982886 (2024), 34218100 (2021), 33471991 (2021), 33067490 (2020), 30199306 (2018), 21939546 (2011), see also LOVD), an individual with pancreatic cancer (PMID: 31432501 (2019)) and in reportedly unaffected individuals (PMID: 36243179 (2022), 33471991 (2021), 30287823 (2018), see also LOVD). A functional study demonstrated that this variant had no impact on splicing (PMID: 32641407 (2020)). The frequency of this variant in the general population (Genome Aggregation Database) is uninformative in the assessment of its pathogenicity. Analysis of this variant using bioinformatics tools for the prediction of the effect of amino acid changes on protein structure and function yielded predictions that this variant is benign. Based on the available information, we are unable to determine the clinical significance of this variant.

Women's Health and Genetics/Laboratory Corporation of America, LabCorp
Classification: Uncertain significance. Last evaluated: 2024-08-12. Review status: criteria provided, single submitter. Criteria: LabCorp Variant Classification Summary - May 2015. Collection method: clinical testing. Allele origin: germline.
Comment: Variant summary: BRCA2 c.266C>T (p.Pro89Leu) results in a non-conservative amino acid change in the encoded protein sequence. Three of five in-silico tools predict a benign effect of the variant on protein function. The variant allele was found at a frequency of 1.6e-05 in 251308 control chromosomes. The available data on variant occurrences in the general population are insufficient to allow any conclusion about variant significance. c.266C>T has been reported in the literature in individuals with a personal- and/or family history of Hereditary Breast and Ovarian Cancer (examples: Muller_2011, Abulkhair_2018, Abu-Helalah_2021, Combrink_2021, Dorling_2021, Song_2024) and pancreatic adenocarcinoma (Schwartz_2019), however it was also found in unaffected controls (Momozawa_2018, Dorling_2021, Dong_2021). These report(s) do not provide unequivocal conclusions about association of the variant with Hereditary Breast And Ovarian Cancer Syndrome. To our knowledge, no experimental evidence demonstrating an impact on protein function has been reported. The following publications have been ascertained in the context of this evaluation (PMID: 33067490, 30199306, 34218100, 32467295, 33471991, 30287823, 21939546, 31432501, 38298632, 32641407). ClinVar contains an entry for this variant (Variation ID: 409565). Based on the evidence outlined above, the variant was classified as uncertain significance.

Labcorp Genetics (formerly Invitae), Labcorp
Classification: Uncertain significance for Hereditary breast ovarian cancer syndrome. Last evaluated: 2024-06-11. Review status: criteria provided, single submitter. Criteria: Invitae Variant Classification Sherloc (09022015). Collection method: clinical testing. Allele origin: germline.
Comment: This sequence change replaces proline, which is neutral and non-polar, with leucine, which is neutral and non-polar, at codon 89 of the BRCA2 protein (p.Pro89Leu). This variant is present in population databases (rs748609599, gnomAD 0.006%). This missense change has been observed in individual(s) with a personal or family history of breast cancer, ovarian cancer, and/or pancreatic cancer (PMID: 21939546, 30199306, 31432501, 32211327, 33067490). ClinVar contains an entry for this variant (Variation ID: 409565). Advanced modeling of protein sequence and biophysical properties (such as structural, functional, and spatial information, amino acid conservation, physicochemical variation, residue mobility, and thermodynamic stability) performed at Invitae indicates that this missense variant is not expected to disrupt BRCA2 protein function with a negative predictive value of 95%. In summary, the available evidence is currently insufficient to determine the role of this variant in disease. Therefore, it has been classified as a Variant of Uncertain Significance.

Baylor Genetics
Classification: Uncertain significance for Familial cancer of breast. Last evaluated: 2024-01-27. Review status: criteria provided, single submitter. Criteria: ACMG Guidelines, 2015. Collection method: clinical testing. Allele origin: unknown.

Ambry Genetics
Classification: Uncertain significance for Hereditary cancer-predisposing syndrome. Last evaluated: 2024-01-22. Review status: criteria provided, single submitter. Criteria: Ambry Variant Classification Scheme 2023. Collection method: clinical testing. Allele origin: germline.
Comment: The p.P89L variant (also known as c.266C>T), located in coding exon 2 of the BRCA2 gene, results from a C to T substitution at nucleotide position 266. The proline at codon 89 is replaced by leucine, an amino acid with similar properties. This alteration has been identified in 1/2,461 index cases of high-risk individuals screened for variants in BRCA1/2 and in individuals diagnosed with breast and/or pancreatic cancer (Muller D et al. BMC Med. Genet. 2011; 12:121; Abulkhair O et al. J Glob Oncol. 2018 Aug;4:1-9; Schwartz M et al. Clin Genet, 2019 12;96:579-584). This variant was reported in 2/60,466 breast cancer cases and in 2/53,461 controls (Dorling et al. N Engl J Med 2021 02;384:428-439). This variant was observed in 1/3251 individuals who met eligibility criteria for hereditary breast and ovarian cancer syndrome (Lerner-Ellis J et al. J Cancer Res Clin Oncol, 2021 Mar;147:871-879), and was detected in a cohort of 172 Chinese epithelial ovarian cancer patients (You Y et al. Front Oncol, 2020 Mar;10:295). This alteration has also been reported in 0/7,051 unselected breast cancer patients and 1/1,241 female controls of Japanese ancestry (Momozawa Y et al. Nat Commun. 2018 10;9:4083). This amino acid position is not well conserved in available vertebrate species. In addition, this alteration is predicted to be tolerated by in silico analysis. Based on the available evidence, the clinical significance of this alteration remains unclear.

All of Us Research Program, National Institutes of Health
Classification: Uncertain significance for Breast-ovarian cancer, familial, susceptibility to, 2. Last evaluated: 2023-11-30. Review status: criteria provided, single submitter. Criteria: ACMG Guidelines, 2015. Collection method: clinical testing. Allele origin: germline. Inheritance: Autosomal dominant inheritance. Observed: 2 variant alleles, 2 heterozygotes.
Comment: This study involves interpretation of variants in research participants for the purpose of population health screening. Participant phenotype was not available at the time of variant classification. Additional details can be found in publication PMID: 35346344, PMCID: PMC8962531

KCCC/NGS Laboratory, Kuwait Cancer Control Center
Classification: Uncertain significance for Breast-ovarian cancer, familial, susceptibility to, 2. Last evaluated: 2023-05-30. Review status: criteria provided, single submitter. Criteria: ACMG Guidelines, 2015. Collection method: clinical testing. Allele origin: unknown. Inheritance: Autosomal dominant inheritance. Affected: yes. Observed: 1 heterozygote.
Comment: a variant of uncertain significance in the BRCA2 gene (p.Pro89Leu). This sequence change replaces proline, which is neutral and non polar, with leucine, which is neutral and non-polar, at codon 89 of the BRCA2 protein (p.Pro89Leu). This variant is present in population databases (rs748609599, gnomAD 0.006%). This missense change has been observed in individual(s) with a personal or family history of breast cancer, ovarian cancer, and/or pancreatic cancer (PMID: 21939546, 30199306, 31432501, 33067490). ClinVar contains an entry for this variant (Variation ID: 409565). In silico analysis supports that this missense variant does not alter protein structure/function. In summary, the available evidence is currently insufficient to determine the role of this variant in disease. Therefore, it has been classified as a Variant of Uncertain Significance. Pathogenic variants in the BRCA2 gene are associated with hereditary breat/ovarian cancer syndrome.